The following is an entry in ClinVar:

NM_001330078.2(NRXN1):c.1958G>A (p.Ser653Asn)

Gene: NRXN1 (neurexin 1; minus strand). Cytogenetic location: 2p16.3.
Variant type: single nucleotide variant.
Coding change: c.1958G>A on transcript NM_001330078.2 (MANE Select); coding-DNA position 1958, G replaced by A.
Protein change: p.Ser653Asn; replaces serine 653 with asparagine.
Molecular consequence: missense variant.
Genome position (GRCh38, 1-based): chr2:50,538,438, C>T on the plus strand (G>A on the coding strand, the complement: NRXN1 is on the minus strand). VCF-style: chr2-50538438-C-T. GRCh37 (hg19) VCF-style: chr2-50765576-C-T.
Other names: c.2078G>A, p.Ser693Asn (NM_001135659.3); c.1934G>A, p.Ser645Asn (NM_001330077.2, NM_001330082.2, NM_001330095.2); c.1919G>A, p.Ser640Asn (NM_001330083.2, NM_001330084.2); c.1958G>A, p.Ser653Asn (NM_001330085.2, NM_001330086.2, NM_004801.6); c.1874G>A, p.Ser625Asn (NM_001330087.2, NM_001330096.2); c.1904G>A, p.Ser635Asn (NM_001330088.2); c.1955G>A, p.Ser652Asn (NM_001330093.2); c.1946G>A, p.Ser649Asn (NM_001330094.2); short protein forms S693N, S653N, S645N, S640N, S649N, S652N, S625N, S635N.
Identifiers: ClinVar variation 129816 (VCV000129816.9), dbSNP rs587780406, ClinGen allele CA231335.

ClinVar aggregate classification (germline): Uncertain significance. Review status: criteria provided, multiple submitters, no conflicts (2 of 4 stars). 2 submissions from 2 submitters: Uncertain significance (2). Last evaluated 2023-04-03.

Conditions:
Pitt-Hopkins-like syndrome 2 (PTHSL2). Identifiers: Orphanet 221150, Orphanet 600663, MedGen C3280479, MONDO:0013690, OMIM 614325.

Submissions (2):

Labcorp Genetics (formerly Invitae), Labcorp
Classification: Uncertain significance for Pitt-Hopkins-like syndrome 2. Last evaluated: 2023-04-03. Review status: criteria provided, single submitter. Criteria: Invitae Variant Classification Sherloc (09022015). Collection method: clinical testing. Allele origin: germline.
Comment: This variant is not present in population databases (gnomAD no frequency). This sequence change replaces serine, which is neutral and polar, with asparagine, which is neutral and polar, at codon 693 of the NRXN1 protein (p.Ser693Asn). This variant has not been reported in the literature in individuals affected with NRXN1-related conditions. In summary, the available evidence is currently insufficient to determine the role of this variant in disease. Therefore, it has been classified as a Variant of Uncertain Significance. An algorithm developed to predict the effect of missense changes on protein structure and function (PolyPhen-2) suggests that this variant is likely to be disruptive. ClinVar contains an entry for this variant (Variation ID: 129816).

Genetic Services Laboratory, University of Chicago
Classification: Uncertain significance. Last evaluated: 2013-08-07. Review status: criteria provided, single submitter. Criteria: ACMG Guidelines, 2007. Collection method: clinical testing. Allele origin: germline. Inheritance: Autosomal recessive inheritance.